The following is an entry in ClinVar:

ClinVar aggregate classification (germline): Likely benign (1 of 4 stars; one submission).

gnomAD v4.1: 2 of 1,547,980 alleles (0.00013%); highest among the groups gnomAD compares: East Asian, 0.0022%; no homozygotes.

Submission:

Mayo Clinic Laboratories, Mayo Clinic
Classification: Likely benign. Last evaluated: 2025-07-14. Review status: criteria provided, single submitter. Criteria: ACMG Guidelines, 2015. Collection method: clinical testing. Allele origin: germline. Observed: 1 variant allele.
Comment: BP4, BP7

NM_018834.6(MATR3):c.1129+8T>C

Gene: MATR3 (matrin 3; plus strand). Cytogenetic location: 5q31.2.
Variant type: single nucleotide variant.
Coding change: c.1129+8T>C on transcript NM_018834.6 (MANE Select); 8 bases into the intron after coding-DNA position 1129, T replaced by C.
Molecular consequence: intron variant.
Genome position (GRCh38, 1-based): chr5:139,316,196, T>C. VCF-style: chr5-139316196-T-C. GRCh37 (hg19) VCF-style: chr5-138651885-T-C.
Other names: p.?; c.1129+8T>C (NM_001400451.1, NM_001400450.1, NM_001400441.1 and 16 more transcripts); c.268+8T>C (NM_001400459.1); c.115+8T>C (NM_001400463.1, NM_001400460.1, NM_001282278.2 and 5 more transcripts); c.229+8T>C (NM_001400461.1); c.265+8T>C (NM_001194956.2).
Identifiers: ClinVar variation 4684861 (VCV004684861.1).